The following is an entry in ClinVar:

NM_002474.3(MYH11):c.1620_1621del (p.Trp540fs)

Gene: MYH11 (myosin heavy chain 11; minus strand). Cytogenetic location: 16p13.11.
Variant type: Deletion.
Coding change: c.1620_1621del on transcript NM_002474.3 (MANE Select); coding-DNA positions 1620 to 1621, 2 bases deleted (GT; older notation c.1620_1621delGT).
Protein change: p.Trp540fs; shifts the reading frame from tryptophan 540.
Molecular consequence: frameshift variant.
Genome position (GRCh38, 1-based): chr16:15,756,469-15,756,470, AC deleted on the plus strand (GT on the coding strand, the reverse complement: MYH11 is on the minus strand). VCF-style (leftmost placement, unchanged base first): chr16-15756468-AAC-A. GRCh37 (hg19) VCF-style: chr16-15850325-AAC-A.
Other names: c.1641_1642del, p.Trp547fs (NM_001040114.2, NM_001040113.2); c.1620_1621del, p.Trp540fs (NM_022844.3); short protein forms W540fs, W547fs.
Identifiers: ClinVar variation 4082469 (VCV004082469.2).

ClinVar aggregate classification (germline): Likely pathogenic (1 of 4 stars; one submission).

Submission:

Genetic Services Laboratory, University of Chicago
Classification: Likely pathogenic. Last evaluated: 2024-07-08. Review status: criteria provided, single submitter. Criteria: ACMG Guidelines, 2015. Collection method: clinical testing. Allele origin: germline. Affected: yes.
Comment: DNA sequence analysis of the MYH11 gene demonstrated a 2 base pair deletion/duplication in exon 14, c.1620_1621del. This likely pathogenic sequence change results in an amino acid frameshift and creates a premature stop codon 34 amino acids downstream of the change, p.Trp540Cysfs*34. This sequence change is predicted to result in an abnormal transcript, which may be degraded, or may lead to the production of a truncated MYH11 protein with potentially abnormal function. While this deletion/duplication has not previously been described in the literature, other frameshift and truncating variants in the MYH11 gene have been described in several individuals with MYH11-related thoracic aortic aneurysm (PMID: 22968129, 28074631, 23099432). The c.1620_1621del sequence change has not been described in population databases such as ExAC and gnomAD. Collectively, this evidence indicates that this sequence change is likely pathogenic.